The following is an entry in ClinVar:

NM_000548.5(TSC2):c.1308G>T (p.Pro436=)

Gene: TSC2 (TSC complex subunit 2; plus strand). Cytogenetic location: 16p13.3.
Variant type: single nucleotide variant.
Coding change: c.1308G>T on transcript NM_000548.5 (MANE Select); coding-DNA position 1308, G replaced by T.
Protein change: p.Pro436=; no amino-acid change (proline 436 retained).
Molecular consequence: synonymous variant.
Genome position (GRCh38, 1-based): chr16:2,062,547, G>T. VCF-style: chr16-2062547-G-T. GRCh37 (hg19) VCF-style: chr16-2112548-G-T.
Other names: c.1308G>T, p.Pro436= (NM_001077183.3, NM_001114382.3, NM_001363528.2 and 3 more transcripts); c.1197G>T, p.Pro399= (NM_001318827.2); c.1161G>T, p.Pro387= (NM_001318829.2); c.708G>T, p.Pro236= (NM_001318831.2); c.1341G>T, p.Pro447= (NM_001318832.2).
Identifiers: ClinVar variation 500981 (VCV000500981.24), dbSNP rs753764275, ClinGen allele CA029292.

ClinVar aggregate classification (germline): Conflicting classifications of pathogenicity. Review status: criteria provided, conflicting classifications (1 of 4 stars). 6 submissions from 6 submitters: Uncertain significance (1); Benign (1); Likely benign (4). Last evaluated 2025-05-13.

Conditions:
Hereditary cancer-predisposing syndrome. Also called: Tumor predisposition; Hereditary neoplastic syndrome; Neoplastic Syndromes, Hereditary; Hereditary Cancer Syndrome. Identifiers: Orphanet 140162, MedGen C0027672, MeSH D009386, MONDO:0015356.
Tuberous sclerosis syndrome (TSC). Also called: Tuberous sclerosis; Tuberous Sclerosis Complex. Identifiers: Orphanet 805, MedGen C0041341, MONDO:0001734.
Tuberous sclerosis 2 (TSC2). Identifiers: Orphanet 805, MedGen C1860707, MONDO:0013199, OMIM 613254.

Allele frequency attached by ClinVar (database versions not stated): TOPMed 0.00001.
gnomAD v4.1: 1 of 1,612,306 alleles (0.000062%); highest among the groups gnomAD compares: Non-Finnish European, 0.000085%; no homozygotes.

Submissions (6):

Myriad Genetics, Inc.
Classification: Benign for Tuberous sclerosis 2. Last evaluated: 2025-05-13. Review status: criteria provided, single submitter. Criteria: Myriad Autosomal Dominant, Autosomal Recessive and X-Linked Classification Criteria (2023). Collection method: clinical testing. Allele origin: unknown.
Comment: This variant is considered benign. This variant is a silent/synonymous amino acid change and it is not expected to impact splicing.

Labcorp Genetics (formerly Invitae), Labcorp
Classification: Likely benign for Tuberous sclerosis 2. Last evaluated: 2025-02-18. Review status: criteria provided, single submitter. Criteria: Invitae Variant Classification Sherloc (09022015). Collection method: clinical testing. Allele origin: germline.

Color Diagnostics, LLC DBA Color Health
Classification: Likely benign for Tuberous sclerosis syndrome. Last evaluated: 2022-09-20. Review status: criteria provided, single submitter. Criteria: ACMG Guidelines, 2015. Collection method: clinical testing. Allele origin: germline.

Genome-Nilou Lab
Classification: Likely benign for Tuberous sclerosis 2. Last evaluated: 2021-11-07. Review status: criteria provided, single submitter. Criteria: ACMG Guidelines, 2015. Collection method: clinical testing. Allele origin: germline. Affected: no.

Ambry Genetics
Classification: Likely benign for Hereditary cancer-predisposing syndrome. Last evaluated: 2017-12-07. Review status: criteria provided, single submitter. Criteria: Ambry Variant Classification Scheme 2023. Collection method: clinical testing. Allele origin: germline.

Eurofins Ntd Llc (ga)
Classification: Uncertain significance. Last evaluated: 2017-05-03. Review status: criteria provided, single submitter. Criteria: EGL Classification Definitions 2015. Collection method: clinical testing. Allele origin: germline. Observed: 1 variant allele, 1 heterozygote.